The following is an entry in ClinVar:

NM_001367624.2(ZNF469):c.11756C>T (p.Pro3919Leu)

Gene: ZNF469 (zinc finger protein 469; plus strand). Cytogenetic location: 16q24.2.
Variant type: single nucleotide variant.
Coding change: c.11756C>T on transcript NM_001367624.2 (MANE Select); coding-DNA position 11756, C replaced by T.
Protein change: p.Pro3919Leu; replaces proline 3919 with leucine.
Molecular consequence: missense variant.
Genome position (GRCh38, 1-based): chr16:88,439,226, C>T. VCF-style: chr16-88439226-C-T. GRCh37 (hg19) VCF-style: chr16-88505634-C-T.
Other names: NM_001127464.1:c.11672C>T; p.Pro3919Leu; short protein forms P3919L.
Identifiers: ClinVar variation 1738368 (VCV001738368.8), dbSNP rs749520338, ClinGen allele CA8225638.

ClinVar aggregate classification (germline): Uncertain significance. Review status: criteria provided, multiple submitters, no conflicts (2 of 4 stars). 3 submissions from 3 submitters: Uncertain significance (3). Last evaluated 2025-10-02.

Conditions:
Cardiovascular phenotype. Identifiers: MedGen CN230736.

Allele frequency attached by ClinVar (database versions not stated): gnomAD exomes 0.00001; TOPMed 0.00001; ExAC 0.00011; 1000 Genomes Project 30x 0.00016.
gnomAD v4.1: 20 of 1,550,482 alleles (0.0013%); highest among the groups gnomAD compares: East Asian, 0.0024%; no homozygotes.

Submissions (3):

Labcorp Genetics (formerly Invitae), Labcorp
Classification: Uncertain significance. Last evaluated: 2025-10-02. Review status: criteria provided, single submitter. Criteria: Invitae Variant Classification Sherloc (09022015). Collection method: clinical testing. Allele origin: germline.
Comment: This sequence change replaces proline, which is neutral and non-polar, with leucine, which is neutral and non-polar, at codon 3891 of the ZNF469 protein (p.Pro3891Leu). This variant is present in population databases (rs749520338, gnomAD 0.005%). This variant has not been reported in the literature in individuals affected with ZNF469-related conditions. ClinVar contains an entry for this variant (Variation ID: 1738368). An algorithm developed to predict the effect of missense changes on protein structure and function outputs the following: PolyPhen-2: "Benign". The leucine amino acid residue is found in multiple mammalian species, which suggests that this missense change does not adversely affect protein function. In summary, the available evidence is currently insufficient to determine the role of this variant in disease. Therefore, it has been classified as a Variant of Uncertain Significance.

Mayo Clinic Laboratories, Mayo Clinic
Classification: Uncertain significance. Last evaluated: 2025-02-27. Review status: criteria provided, single submitter. Criteria: ACMG Guidelines, 2015. Collection method: clinical testing. Allele origin: germline. Observed: 1 variant allele.
Comment: BP4

Ambry Genetics
Classification: Uncertain significance for Cardiovascular phenotype. Last evaluated: 2024-12-31. Review status: criteria provided, single submitter. Criteria: Ambry Variant Classification Scheme 2023. Collection method: clinical testing. Allele origin: germline.
Comment: The p.P3891L variant (also known as c.11672C>T), located in coding exon 2 of the ZNF469 gene, results from a C to T substitution at nucleotide position 11672. The proline at codon 3891 is replaced by leucine, an amino acid with similar properties. This amino acid position is conserved. In addition, this alteration is predicted to be tolerated by in silico analysis. Since supporting evidence is limited at this time, the clinical significance of this alteration remains unclear.